The following is an entry in ClinVar:

NM_032520.5(GNPTG):c.77A>T (p.Lys26Met)

Genes: GNPTG (N-acetylglucosamine-1-phosphate transferase subunit gamma; plus strand), LOC130058158 (ATAC-STARR-seq lymphoblastoid silent region 6972; plus strand). Cytogenetic location: 16p13.3.
Variant type: single nucleotide variant.
Coding change: c.77A>T on transcript NM_032520.5 (MANE Select); coding-DNA position 77, A replaced by T.
Protein change: p.Lys26Met; replaces lysine 26 with methionine.
Molecular consequence: missense variant.
Genome position (GRCh38, 1-based): chr16:1,352,126, A>T. VCF-style: chr16-1352126-A-T. GRCh37 (hg19) VCF-style: chr16-1402127-A-T.
Other names: short protein forms K26M.
Identifiers: ClinVar variation 1955611 (VCV001955611.2), dbSNP rs2548185695, ClinGen allele CA394184072.
Genomic context (GRCh38, chr16:1,352,126, plus strand): 5'-CCCCGGCCTCCCCGCTCACGGTCTCGCTCCCCGTAGGGCCCGCGCCGGCAGGTGCAGCGA[A>T]GATGAAGGTGGTGGAGGAGCCCAACGCGTTTGGGTGAGCAGCCTCGCGGGCTGGCGGCTC-3'
Protein context (NP_115909.1, residues 16-36): AGGPAPAGAA[Lys26Met]MKVVEEPNAF

ClinVar aggregate classification (germline): Uncertain significance (1 of 4 stars; one submission).

Submission:

Labcorp Genetics (formerly Invitae), Labcorp
Classification: Uncertain significance. Last evaluated: 2022-06-03. Review status: criteria provided, single submitter. Criteria: Invitae Variant Classification Sherloc (09022015). Collection method: clinical testing. Allele origin: germline.
Comment: This sequence change replaces lysine, which is basic and polar, with methionine, which is neutral and non-polar, at codon 26 of the GNPTG protein (p.Lys26Met). This variant is not present in population databases (gnomAD no frequency). This variant has not been reported in the literature in individuals affected with GNPTG-related conditions. Algorithms developed to predict the effect of missense changes on protein structure and function are either unavailable or do not agree on the potential impact of this missense change (SIFT: "Deleterious"; PolyPhen-2: "Probably Damaging"; Align-GVGD: "Class C0"). In summary, the available evidence is currently insufficient to determine the role of this variant in disease. Therefore, it has been classified as a Variant of Uncertain Significance.